The following is an entry in ClinVar:

ClinVar aggregate classification (germline): Uncertain significance. Review status: criteria provided, multiple submitters, no conflicts (2 of 4 stars). 2 submissions from 2 submitters: Uncertain significance (2). Last evaluated 2023-05-24.

Conditions:
Cardiovascular phenotype. Identifiers: MedGen CN230736.
Arrhythmogenic cardiomyopathy with wooly hair and keratoderma. Also called: Dilated cardiomyopathy with woolly hair and keratoderma; PALMOPLANTAR KERATODERMA WITH LEFT VENTRICULAR CARDIOMYOPATHY AND WOOLLY HAIR; Carvajal syndrome; Arrhythmogenic cardiomyopathy with woolly hair and keratoderma. Identifiers: Orphanet 65282, MedGen C1854063, MONDO:0011581, OMIM 605676.

Allele frequency attached by ClinVar (database versions not stated): TOPMed below 0.00001; gnomAD 0.00001.

Submissions (2):

Ambry Genetics
Classification: Uncertain significance for Cardiovascular phenotype. Last evaluated: 2023-05-24. Review status: criteria provided, single submitter. Criteria: Ambry Variant Classification Scheme 2023. Collection method: clinical testing. Allele origin: germline.
Comment: The c.1419G>A variant (also known as p.Q473Q) is located in coding exon 11 of the DSP gene. This variant results from a G to A substitution at nucleotide position 1419. This nucleotide substitution does not change the glutamine at codon 473. However, this change occurs in the last base pair of coding exon 11, which makes it likely to have some effect on normal mRNA splicing. This nucleotide position is highly conserved in available vertebrate species. In silico splice site analysis predicts that this alteration will not have any significant effect on splicing. Since supporting evidence is limited at this time, the clinical significance of this alteration remains unclear.

All of Us Research Program, National Institutes of Health
Classification: Uncertain significance for Arrhythmogenic cardiomyopathy with wooly hair and keratoderma. Last evaluated: 2023-05-04. Review status: criteria provided, single submitter. Criteria: ACMG Guidelines, 2015. Collection method: clinical testing. Allele origin: germline. Inheritance: Autosomal dominant inheritance. Observed: 1 variant allele, 1 heterozygote.
Comment: This synonymous variant in the DSP gene is predicted to affect RNA splicing. To our knowledge, functional studies have not been reported for this variant. This variant has not been reported in individuals affected with MYH11-related disorders in the literature. This variant has been identified in 2/251034 chromosomes in the general population by the Genome Aggregation Database (gnomAD). The available evidence is insufficient to determine the role of this variant in disease conclusively. Therefore, this variant is classified as a Variant of Uncertain Significance.

This study involves interpretation of variants in research participants for the purpose of population health screening. Participant phenotype was not available at the time of variant classification. Additional details can be found in publication PMID: 35346344, PMCID: PMC8962531

NM_004415.4(DSP):c.1419G>A (p.Gln473=)

Gene: DSP (desmoplakin; plus strand). Cytogenetic location: 6p24.3.
Variant type: single nucleotide variant.
Coding change: c.1419G>A on transcript NM_004415.4 (MANE Select); coding-DNA position 1419, G replaced by A.
Protein change: p.Gln473=; no amino-acid change (glutamine 473 retained).
Molecular consequence: synonymous variant.
Genome position (GRCh38, 1-based): chr6:7,568,589, G>A. VCF-style: chr6-7568589-G-A. GRCh37 (hg19) VCF-style: chr6-7568822-G-A.
Other names: c.1419G>A, p.Gln473= (NM_001008844.3, NM_001319034.2, NM_001406591.1).
Identifiers: ClinVar variation 2562465 (VCV002562465.3), dbSNP rs1758935318, ClinGen allele CA448522255.